The following is an entry in ClinVar:

NM_000146.4(FTL):c.-189G>C

Gene: FTL (ferritin light chain; plus strand). Cytogenetic location: 19q13.33.
Variant type: single nucleotide variant.
Coding change: c.-189G>C on transcript NM_000146.4 (MANE Select); 189 bases upstream of the start codon, G replaced by C.
Molecular consequence: 5 prime UTR variant.
Genome position (GRCh38, 1-based): chr19:48,965,319, G>C. VCF-style: chr19-48965319-G-C. GRCh37 (hg19) VCF-style: chr19-49468576-G-C.
Identifiers: ClinVar variation 1712803 (VCV001712803.2), dbSNP rs970038885, ClinGen allele CA309374876.

ClinVar aggregate classification (germline): Uncertain significance (1 of 4 stars; one submission).

Allele frequency attached by ClinVar (database versions not stated): gnomAD 0.00001.

Submission:

GeneDx
Classification: Uncertain significance. Last evaluated: 2022-04-26. Review status: criteria provided, single submitter. Criteria: GeneDx Variant Classification Process June 2021. Collection method: clinical testing. Allele origin: germline. Affected: yes.
Comment: Nucleotide substitution has no predicted effect on splicing and is not conserved across species; Has not been previously published as pathogenic or benign to our knowledge; No data available from ethnically-matched control populations to assess the frequency of this variant; The variant occurs in a regulatory region and is not expected to create a new ATG initiation codon, however, in the absence of RNA/functional studies, the actual effect of the variant in this individual is uncertain.